The following is an entry in ClinVar:

NM_001166108.2(PALLD):c.1693C>A (p.Pro565Thr)

Gene: PALLD (palladin, cytoskeletal associated protein; plus strand). Cytogenetic location: 4q32.3.
Variant type: single nucleotide variant.
Coding change: c.1693C>A on transcript NM_001166108.2 (MANE Select); coding-DNA position 1693, C replaced by A.
Protein change: p.Pro565Thr; replaces proline 565 with threonine.
Molecular consequence: missense variant.
Genome position (GRCh38, 1-based): chr4:168,711,652, C>A. VCF-style: chr4-168711652-C-A. GRCh37 (hg19) VCF-style: chr4-169632803-C-A.
Other names: c.547C>A, p.Pro183Thr (NM_001166109.2); c.1693C>A, p.Pro565Thr (NM_016081.4); short protein forms P183T, P565T.
Identifiers: ClinVar variation 1778176 (VCV001778176.3), dbSNP rs1235019795, ClinGen allele CA358798008.

ClinVar aggregate classification (germline): Uncertain significance (1 of 4 stars; one submission).

gnomAD v4.1: 5 of 1,614,034 alleles (0.00031%); highest among the groups gnomAD compares: Non-Finnish European, 0.00034%; no homozygotes.

Submission:

Ambry Genetics
Classification: Uncertain significance. Last evaluated: 2024-11-03. Review status: criteria provided, single submitter. Criteria: Ambry Variant Classification Scheme 2023. Collection method: clinical testing. Allele origin: germline.
Comment: The p.P565T variant (also known as c.1693C>A), located in coding exon 9 of the PALLD gene, results from a C to A substitution at nucleotide position 1693. The proline at codon 565 is replaced by threonine, an amino acid with highly similar properties. This amino acid position is conserved. In addition, this alteration is predicted to be tolerated by in silico analysis. Since supporting evidence is limited at this time, the clinical significance of this alteration remains unclear.